The following is an entry in ClinVar:

NM_005529.7(HSPG2):c.11562G>C (p.Gln3854His)

Gene: HSPG2 (heparan sulfate proteoglycan 2; minus strand). Cytogenetic location: 1p36.12.
Variant type: single nucleotide variant.
Coding change: c.11562G>C on transcript NM_005529.7 (MANE Select); coding-DNA position 11562, G replaced by C.
Protein change: p.Gln3854His; replaces glutamine 3854 with histidine.
Molecular consequence: missense variant.
Genome position (GRCh38, 1-based): chr1:21,831,215, C>G on the plus strand (G>C on the coding strand, the complement: HSPG2 is on the minus strand). VCF-style: chr1-21831215-C-G. GRCh37 (hg19) VCF-style: chr1-22157708-C-G.
Other names: c.11565G>C, p.Gln3855His (NM_001291860.2); short protein forms Q3855H, Q3854H.
Identifiers: ClinVar variation 2025732 (VCV002025732.4), dbSNP rs2550621849, ClinGen allele CA338903221.

ClinVar aggregate classification (germline): Uncertain significance (1 of 4 stars; one submission).

Submission:

Labcorp Genetics (formerly Invitae), Labcorp
Classification: Uncertain significance. Last evaluated: 2024-11-11. Review status: criteria provided, single submitter. Criteria: Invitae Variant Classification Sherloc (09022015). Collection method: clinical testing. Allele origin: germline.
Comment: This sequence change replaces glutamine, which is neutral and polar, with histidine, which is basic and polar, at codon 3854 of the HSPG2 protein (p.Gln3854His). This variant also falls at the last nucleotide of exon 84, which is part of the consensus splice site for this exon. This variant is not present in population databases (gnomAD no frequency). This variant has not been reported in the literature in individuals affected with HSPG2-related conditions. ClinVar contains an entry for this variant (Variation ID: 2025732). An algorithm developed to predict the effect of missense changes on protein structure and function (PolyPhen-2) suggests that this variant is likely to be disruptive. Variants that disrupt the consensus splice site are a relatively common cause of aberrant splicing (PMID: 17576681, 9536098). Algorithms developed to predict the effect of sequence changes on RNA splicing suggest that this variant may disrupt the consensus splice site. In summary, the available evidence is currently insufficient to determine the role of this variant in disease. Therefore, it has been classified as a Variant of Uncertain Significance.

Literature cited by the submitters: PubMed 17576681; PubMed 9536098.